The following is an entry in ClinVar:

ClinVar aggregate classification (germline): Uncertain significance (1 of 4 stars; one submission).

Conditions:
Congenital hyperammonemia, type I. Also called: CPS I DEFICIENCY; Carbamoyl phosphate synthetase I deficiency disease; Carbamoyl-phosphate synthase I deficiency; Carbamoyl phosphate synthetase 1 deficiency; Hyperammonemia due to carbamoyl phosphate synthetase 1 deficiency; CPS 1 deficiency. Identifiers: Orphanet 147, MedGen C4082171, MONDO:0009376, OMIM 237300.

Allele frequency attached by ClinVar (database versions not stated): ExAC 0.00001; gnomAD 0.00004; 1000 Genomes Project 0.00020; 1000 Genomes Project 30x 0.00031.
gnomAD v4.1: 6 of 1,577,648 alleles (0.00038%); highest among the groups gnomAD compares: African/African-American, 0.0042%; no homozygotes.

Submission:

Labcorp Genetics (formerly Invitae), Labcorp
Classification: Uncertain significance for Congenital hyperammonemia, type I. Last evaluated: 2022-05-05. Review status: criteria provided, single submitter. Criteria: Invitae Variant Classification Sherloc (09022015). Collection method: clinical testing. Allele origin: germline.
Comment: This sequence change replaces histidine, which is basic and polar, with tyrosine, which is neutral and polar, at codon 1190 of the CPS1 protein (p.His1190Tyr). This variant is present in population databases (rs190875241, gnomAD 0.003%). This variant has not been reported in the literature in individuals affected with CPS1-related conditions. Algorithms developed to predict the effect of missense changes on protein structure and function are either unavailable or do not agree on the potential impact of this missense change (SIFT: "Deleterious"; PolyPhen-2: "Possibly Damaging"; Align-GVGD: "Class C0"). In summary, the available evidence is currently insufficient to determine the role of this variant in disease. Therefore, it has been classified as a Variant of Uncertain Significance.

NM_001875.5(CPS1):c.3568C>T (p.His1190Tyr)

Gene: CPS1 (carbamoyl-phosphate synthase 1; plus strand). Cytogenetic location: 2q34.
Variant type: single nucleotide variant.
Coding change: c.3568C>T on transcript NM_001875.5 (MANE Select); coding-DNA position 3568, C replaced by T.
Protein change: p.His1190Tyr; replaces histidine 1190 with tyrosine.
Molecular consequence: missense variant. On other transcripts: non-coding transcript variant (2).
Genome position (GRCh38, 1-based): chr2:210,656,534, C>T. VCF-style: chr2-210656534-C-T. GRCh37 (hg19) VCF-style: chr2-211521258-C-T.
Other names: c.3568C>T, p.His1190Tyr (NM_001122633.3, NM_001369257.1); c.3601C>T, p.His1201Tyr (NM_001369256.1); short protein forms H1190Y, H1201Y.
Identifiers: ClinVar variation 2079801 (VCV002079801.1), dbSNP rs190875241, ClinGen allele CA2087014.
Genomic context (GRCh38, chr2:210,656,534, plus strand): 5'-GGAAGTACCTGAAAACTTTTTCTAAAATCCTTTTTTTTTTTTTTTGGCCAGGTTATCTCT[C>T]ATGCCATCTCTGAACATGTTGAAGATGCAGGTGTCCACTCGGGAGATGCCACTCTGATGC-3'
Protein context (NP_001866.2, residues 1180-1200): AVGKDGRVIS[His1190Tyr]AISEHVEDAG